The following is an entry in ClinVar:

NM_014236.4(GNPAT):c.2008A>T (p.Thr670Ser)

Gene: GNPAT (glyceronephosphate O-acyltransferase; plus strand). Cytogenetic location: 1q42.2.
Variant type: single nucleotide variant.
Coding change: c.2008A>T on transcript NM_014236.4 (MANE Select); coding-DNA position 2008, A replaced by T.
Protein change: p.Thr670Ser; replaces threonine 670 with serine.
Molecular consequence: missense variant.
Genome position (GRCh38, 1-based): chr1:231,277,507, A>T. VCF-style: chr1-231277507-A-T. GRCh37 (hg19) VCF-style: chr1-231413253-A-T.
Other names: c.1825A>T, p.Thr609Ser (NM_001316350.2); short protein forms T670S, T609S.
Identifiers: ClinVar variation 2122226 (VCV002122226.4), dbSNP rs2527051902, ClinGen allele CA345229134.

ClinVar aggregate classification (germline): Uncertain significance (1 of 4 stars; one submission).

Submission:

Labcorp Genetics (formerly Invitae), Labcorp
Classification: Uncertain significance. Last evaluated: 2023-04-14. Review status: criteria provided, single submitter. Criteria: Invitae Variant Classification Sherloc (09022015). Collection method: clinical testing. Allele origin: germline.
Comment: This variant has not been reported in the literature in individuals affected with GNPAT-related conditions. In summary, the available evidence is currently insufficient to determine the role of this variant in disease. Therefore, it has been classified as a Variant of Uncertain Significance. An algorithm developed to predict the effect of missense changes on protein structure and function (PolyPhen-2) suggests that this variant is likely to be tolerated. ClinVar contains an entry for this variant (Variation ID: 2122226). This variant is not present in population databases (gnomAD no frequency). This sequence change replaces threonine, which is neutral and polar, with serine, which is neutral and polar, at codon 670 of the GNPAT protein (p.Thr670Ser).